The following is an entry in ClinVar:

ClinVar aggregate classification (germline): Benign. Review status: criteria provided, single submitter (1 of 4 stars). 2 submissions from 2 submitters: Benign (1). 1 of the submissions does not count toward it. Last evaluated 2026-01-19.

Conditions:
DST-related disorder. Also called: DST-related condition; DST-related disorders.
Hereditary sensory and autonomic neuropathy type 6. Also called: HSAN VI; Neuropathy, hereditary sensory and autonomic, type VI. Identifiers: Orphanet 314381, MedGen C3539003, MONDO:0013839, OMIM 614653.
Epidermolysis bullosa simplex 3, localized or generalized intermediate, with BP230 deficiency (EBS3). Also called: Epidermolysis bullosa simplex, autosomal recessive 2; Epidermolysis bullosa simplex due to BP230 deficiency. Identifiers: Orphanet 412181, MedGen C3809470, MONDO:0014180, OMIM 615425.

Allele frequency attached by ClinVar (database versions not stated): gnomAD exomes 0.00082 and 0.00173; 1000 Genomes Project 0.00379; TOPMed 0.00103; gnomAD 0.00054 and 0.00075; ExAC 0.00153; 1000 Genomes Project 30x 0.00406.
gnomAD v4.1: 1,352 of 1,613,808 alleles (0.084%); highest among the groups gnomAD compares: East Asian, 2.6%; 19 homozygotes.

Submissions (2):

Labcorp Genetics (formerly Invitae), Labcorp
Classification: Benign for Epidermolysis bullosa simplex 3, localized or generalized intermediate, with BP230 deficiency; Hereditary sensory and autonomic neuropathy type 6. Last evaluated: 2026-01-19. Review status: criteria provided, single submitter. Criteria: Invitae Variant Classification Sherloc (09022015). Collection method: clinical testing. Allele origin: germline.

PreventionGenetics, part of Exact Sciences
Classification: Benign for DST-related condition. Last evaluated: 2019-05-06. Review status: no assertion criteria provided. Collection method: clinical testing. Allele origin: germline. Not counted in ClinVar's aggregate classification.
Comment: This variant is classified as benign based on ACMG/AMP sequence variant interpretation guidelines (Richards et al. 2015 PMID: 25741868, with internal and published modifications).

NM_001374736.1(DST):c.12636C>T (p.Asp4212=)

Gene: DST (dystonin; minus strand). Cytogenetic location: 6p12.1.
Variant type: single nucleotide variant.
Coding change: c.12636C>T on transcript NM_001374736.1 (MANE Select); coding-DNA position 12636, C replaced by T.
Protein change: p.Asp4212=; no amino-acid change (aspartic acid 4212 retained).
Molecular consequence: synonymous variant.
Genome position (GRCh38, 1-based): chr6:56,593,753, G>A on the plus strand (C>T on the coding strand, the complement: DST is on the minus strand). VCF-style: chr6-56593753-G-A. GRCh37 (hg19) VCF-style: chr6-56458551-G-A.
Other names: c.6279C>T, p.Asp2093= (NM_001144769.5); c.5865C>T, p.Asp1955= (NM_001144770.2); c.12636C>T, p.Asp4212= (NM_001374722.1); c.12003C>T, p.Asp4001= (NM_001374729.1); c.5745C>T, p.Asp1915= (NM_001374730.1, NM_001386100.1, NM_183380.4); c.12663C>T, p.Asp4221= (NM_001374734.1); c.4767C>T, p.Asp1589= (NM_015548.5).
Identifiers: ClinVar variation 795839 (VCV000795839.14), dbSNP rs74609186, ClinGen allele CA3868430.